The following is an entry in ClinVar:

NM_006187.4(OAS3):c.1143C>G (p.Ser381Arg)

Gene: OAS3 (2'-5'-oligoadenylate synthetase 3; plus strand). Cytogenetic location: 12q24.13.
Variant type: single nucleotide variant.
Coding change: c.1143C>G on transcript NM_006187.4 (MANE Select); coding-DNA position 1143, C replaced by G.
Protein change: p.Ser381Arg; replaces serine 381 with arginine.
Molecular consequence: missense variant.
Genome position (GRCh38, 1-based): chr12:112,948,974, C>G. VCF-style: chr12-112948974-C-G. GRCh37 (hg19) VCF-style: chr12-113386779-C-G.
Other names: short protein forms S381R.
Identifiers: ClinVar variation 1228717 (VCV001228717.4), dbSNP rs2285933, ClinGen allele CA6800456.

ClinVar aggregate classification (germline): Benign. Review status: criteria provided, multiple submitters, no conflicts (2 of 4 stars). 2 submissions from 2 submitters: Benign (2). Last evaluated 2019-10-17.

Allele frequency attached by ClinVar (database versions not stated): gnomAD exomes 0.26393 and 0.26565; ExAC 0.26706; 1000 Genomes Project 0.28055; 1000 Genomes Project 30x 0.28763; ESP Exome Variant Server 0.29501; TOPMed 0.31472.
gnomAD v4.1: 433,233 of 1,613,496 alleles (27%); highest among the groups gnomAD compares: African/African-American, 39%; 59,994 homozygotes.

Submissions (2):

GeneDx
Classification: Benign. Last evaluated: 2019-10-17. Review status: criteria provided, single submitter. Criteria: GeneDx Variant Classification Process June 2021. Collection method: clinical testing. Allele origin: germline. Affected: yes.
Comment: This variant is associated with the following publications: (PMID: 29414184)

Breakthrough Genomics
Classification: Benign. Review status: criteria provided, single submitter. Criteria: ACMG Guidelines, 2015. Collection method: not provided. Allele origin: germline. Inheritance: Unknown mechanism. Affected: yes.